The following is an entry in ClinVar:

NM_004260.4(RECQL4):c.82C>G (p.Gln28Glu)

Genes: RECQL4 (RecQ like helicase 4; minus strand), LOC130001411 (ATAC-STARR-seq lymphoblastoid silent region 19699; plus strand). Cytogenetic location: 8q24.3.
Variant type: single nucleotide variant.
Coding change: c.82C>G on transcript NM_004260.4 (MANE Select); coding-DNA position 82, C replaced by G.
Protein change: p.Gln28Glu; replaces glutamine 28 with glutamic acid.
Molecular consequence: missense variant. On other transcripts: 5 prime UTR variant (17), non-coding transcript variant (3).
Genome position (GRCh38, 1-based): chr8:144,517,703, G>C on the plus strand (C>G on the coding strand, the complement: RECQL4 is on the minus strand). VCF-style: chr8-144517703-G-C. GRCh37 (hg19) VCF-style: chr8-145743087-G-C.
Other names: c.82C>G, p.Gln28Glu (NM_001413017.1, NM_001413018.1, NM_001413019.1 and 6 more transcripts); c.-704C>G (NM_001413021.1); c.-1055C>G (NM_001413022.1, NM_001413023.1, NM_001413037.1 and 2 more transcripts); c.-952C>G (NM_001413024.1); c.-1052C>G (NM_001413027.1); c.-780C>G (NM_001413028.1); c.-1117C>G (NM_001413030.1, NM_001413031.1, NM_001413041.1); c.-949C>G (NM_001413032.1); and 4 more; short protein forms Q28E.
Identifiers: ClinVar variation 2825392 (VCV002825392.3), dbSNP rs794726912, ClinGen allele CA372693610.

ClinVar aggregate classification (germline): Uncertain significance (1 of 4 stars; one submission).

Conditions:
Baller-Gerold syndrome (BGS). Also called: CRANIOSYNOSTOSIS WITH RADIAL DEFECTS. Identifiers: Orphanet 1225, MedGen C0265308, MONDO:0009039, OMIM 218600.

Submission:

Labcorp Genetics (formerly Invitae), Labcorp
Classification: Uncertain significance for Baller-Gerold syndrome. Last evaluated: 2022-12-31. Review status: criteria provided, single submitter. Criteria: Invitae Variant Classification Sherloc (09022015). Collection method: clinical testing. Allele origin: germline.
Comment: In summary, the available evidence is currently insufficient to determine the role of this variant in disease. Therefore, it has been classified as a Variant of Uncertain Significance. Experimental studies and prediction algorithms are not available or were not evaluated, and the functional significance of this variant is currently unknown. This variant has not been reported in the literature in individuals affected with RECQL4-related conditions. This variant is not present in population databases (gnomAD no frequency). This sequence change replaces glutamine, which is neutral and polar, with glutamic acid, which is acidic and polar, at codon 28 of the RECQL4 protein (p.Gln28Glu).